The following is an entry in ClinVar:

ClinVar aggregate classification (germline): Uncertain significance (1 of 4 stars; one submission).

Conditions:
Familial thoracic aortic aneurysm and aortic dissection (TAAD). Also called: Thoracic aortic aneurysms and dissections. Identifiers: Orphanet 91387, MedGen C4707243, MONDO:0019625.
Hereditary cancer-predisposing syndrome. Also called: Neoplastic Syndromes, Hereditary; Tumor predisposition; Hereditary Cancer Syndrome; Hereditary neoplastic syndrome. Identifiers: Orphanet 140162, MedGen C0027672, MeSH D009386, MONDO:0015356.

Submission:

Ambry Genetics
Classification: Uncertain significance for Hereditary cancer-predisposing syndrome; Familial thoracic aortic aneurysm and aortic dissection. Last evaluated: 2026-06-04. Review status: criteria provided, single submitter. Criteria: Ambry Variant Classification Scheme 2023. Collection method: clinical testing. Allele origin: germline.
Comment: The p.D332Y variant (also known as c.994G>T), located in coding exon 8 of the SMAD4 gene, results from a G to T substitution at nucleotide position 994. The aspartic acid at codon 332 is replaced by tyrosine, an amino acid with highly dissimilar properties. This amino acid position is highly conserved in available vertebrate species. In addition, this alteration is predicted to be deleterious by in silico analysis. Based on the available evidence, the clinical significance of this variant remains unclear.

NM_005359.6(SMAD4):c.994G>T (p.Asp332Tyr)

Gene: SMAD4 (SMAD family member 4; plus strand). Cytogenetic location: 18q21.2.
Variant type: single nucleotide variant.
Coding change: c.994G>T on transcript NM_005359.6 (MANE Select); coding-DNA position 994, G replaced by T.
Protein change: p.Asp332Tyr; replaces aspartic acid 332 with tyrosine.
Molecular consequence: missense variant. On other transcripts: non-coding transcript variant (2).
Genome position (GRCh38, 1-based): chr18:51,065,461, G>T. VCF-style: chr18-51065461-G-T. GRCh37 (hg19) VCF-style: chr18-48591831-G-T.
Other names: c.994G>T, p.Asp332Tyr (NM_001407041.1, NM_001407042.1, NM_001407043.1); short protein forms D332Y.
Identifiers: ClinVar variation 4864710 (VCV004864710.1).